The following is an entry in ClinVar:

NM_031917.3(ANGPTL6):c.1383C>T (p.Ala461=)

Genes: SHFL (shiftless antiviral inhibitor of ribosomal frameshifting; plus strand), ANGPTL6 (angiopoietin like 6; minus strand). Cytogenetic location: 19p13.2.
Variant type: single nucleotide variant.
Coding change: c.1383C>T on transcript NM_031917.3 (MANE Select); coding-DNA position 1383, C replaced by T.
Protein change: p.Ala461=; no amino-acid change (alanine 461 retained).
Molecular consequence: synonymous variant. On other transcripts: 3 prime UTR variant (2).
Genome position (GRCh38, 1-based): chr19:10,092,619, G>A on the plus strand (C>T on the coding strand, the complement: ANGPTL6 is on the minus strand). VCF-style: chr19-10092619-G-A. GRCh37 (hg19) VCF-style: chr19-10203295-G-A.
Other names: c.*317G>A (NM_001308277.2, NM_018381.4); c.1383C>T, p.Ala461= (NM_001321411.2, NM_001387347.1, NM_001387348.1).
Identifiers: ClinVar variation 3389227 (VCV003389227.14).
Genomic context (GRCh38, chr19:10,092,619, plus strand): 5'-CTAGGGCCTAGGGGACAGAGGAACACAGAGTCACAGCTTCAGGGGCCGAATGAGCATGGC[G>A]GCCTTCCTGAGAGAATATGCCCCACCACGAAACTCAGCCCAGTAGACACCATCCTGGTAG-3'
Protein context (NP_114123.2, residues 451-470): FRGGAYSLRK[Ala461=]AMLIRPLKL

ClinVar aggregate classification (germline): Likely benign (1 of 4 stars; one submission).

Submission:

CeGaT Center for Human Genetics Tuebingen
Classification: Likely benign. Last evaluated: 2024-10-01. Review status: criteria provided, single submitter. Criteria: CeGaT Center For Human Genetics Tuebingen Variant Classification Criteria Version 2. Collection method: clinical testing. Allele origin: germline. Affected: yes. Observed: 1 variant allele.
Comment: ANGPTL6: BP4, BP7